The following is an entry in ClinVar:

NM_024675.4(PALB2):c.1889G>C (p.Cys630Ser)

Gene: PALB2 (partner and localizer of BRCA2; minus strand). Cytogenetic location: 16p12.2.
Variant type: single nucleotide variant.
Coding change: c.1889G>C on transcript NM_024675.4 (MANE Select); coding-DNA position 1889, G replaced by C.
Protein change: p.Cys630Ser; replaces cysteine 630 with serine.
Molecular consequence: missense variant.
Genome position (GRCh38, 1-based): chr16:23,630,265, C>G on the plus strand (G>C on the coding strand, the complement: PALB2 is on the minus strand). VCF-style: chr16-23630265-C-G. GRCh37 (hg19) VCF-style: chr16-23641586-C-G.
Other names: short protein forms C630S.
Identifiers: ClinVar variation 820274 (VCV000820274.11), dbSNP rs1597090878, ClinGen allele CA395127622.
Genomic context (GRCh38, chr16:23,630,265, plus strand): 5'-TCTTTAAGATGTCTCTCTCCAAACATTTTTGACTCAAAGGGCTCCACTGGTTTTTCTGAG[C>G]AGGACTTCACTTTTTCAAGCTTAAGAGGTCCAAAGTCTTCATCAGGTAACTGAAAGTCTG-3'
Protein context (NP_078951.2, residues 620-640): GPLKLEKVKS[Cys630Ser]SEKPVEPFES

ClinVar aggregate classification (germline): Uncertain significance. Review status: criteria provided, multiple submitters, no conflicts (2 of 4 stars). 2 submissions from 2 submitters: Uncertain significance (2). Last evaluated 2022-07-06.

Conditions:
Hereditary cancer-predisposing syndrome. Also called: Neoplastic Syndromes, Hereditary; Tumor predisposition; Hereditary Cancer Syndrome; Hereditary neoplastic syndrome. Identifiers: Orphanet 140162, MedGen C0027672, MeSH D009386, MONDO:0015356.
Familial cancer of breast. Also called: BREAST CANCER, FAMILIAL; Hereditary breast cancer; hereditary breast carcinoma. Identifiers: Orphanet 227535, MedGen C0346153, MONDO:0016419, OMIM 114480. Disease mechanism: loss of function.

Submissions (2):

Labcorp Genetics (formerly Invitae), Labcorp
Classification: Uncertain significance for Familial cancer of breast. Last evaluated: 2022-07-06. Review status: criteria provided, single submitter. Criteria: Invitae Variant Classification Sherloc (09022015). Collection method: clinical testing. Allele origin: germline.
Comment: In summary, the available evidence is currently insufficient to determine the role of this variant in disease. Therefore, it has been classified as a Variant of Uncertain Significance. Algorithms developed to predict the effect of missense changes on protein structure and function (SIFT, PolyPhen-2, Align-GVGD) all suggest that this variant is likely to be tolerated. This sequence change replaces cysteine, which is neutral and slightly polar, with serine, which is neutral and polar, at codon 630 of the PALB2 protein (p.Cys630Ser). This variant is not present in population databases (gnomAD no frequency). This variant has not been reported in the literature in individuals affected with PALB2-related conditions. ClinVar contains an entry for this variant (Variation ID: 820274).

Ambry Genetics
Classification: Uncertain significance for Hereditary cancer-predisposing syndrome. Last evaluated: 2019-07-01. Review status: criteria provided, single submitter. Criteria: Ambry Variant Classification Scheme 2023. Collection method: clinical testing. Allele origin: germline.
Comment: The p.C630S variant (also known as c.1889G>C), located in coding exon 5 of the PALB2 gene, results from a G to C substitution at nucleotide position 1889. The cysteine at codon 630 is replaced by serine, an amino acid with dissimilar properties. This amino acid position is not well conserved in available vertebrate species. In addition, this alteration is predicted to be tolerated by in silico analysis. Since supporting evidence is limited at this time, the clinical significance of this alteration remains unclear.